The following is an entry in ClinVar:

NM_023067.4(FOXL2):c.157C>T (p.Gln53Ter)

Gene: FOXL2 (forkhead box L2; minus strand). Cytogenetic location: 3q22.3.
Variant type: single nucleotide variant.
Coding change: c.157C>T on transcript NM_023067.4 (MANE Select); coding-DNA position 157, C replaced by T.
Protein change: p.Gln53Ter; replaces glutamine 53 with a stop codon.
Molecular consequence: nonsense.
Genome position (GRCh38, 1-based): chr3:138,946,566, G>A on the plus strand (C>T on the coding strand, the complement: FOXL2 is on the minus strand). VCF-style: chr3-138946566-G-A. GRCh37 (hg19) VCF-style: chr3-138665408-G-A.
Other names: short protein forms Q53*.
Identifiers: ClinVar variation 4860 (VCV000004860.2), dbSNP rs104893737, ClinGen allele CA210682.

ClinVar aggregate classification (germline): Pathogenic. Review status: criteria provided, single submitter (1 of 4 stars). 2 submissions from 2 submitters: Pathogenic (1). 1 of the submissions does not count toward it. Last evaluated 2018-07-23.

Conditions:
BLEPHAROPHIMOSIS, PTOSIS, AND EPICANTHUS INVERSUS, TYPE I. Also called: BPES I; Blepharophimosis syndrome type 1; BPES with ovarian failure; Blepharophimosis, ptosis, and epicanthus inversus syndrome type 1. Identifiers: MedGen C2931135.

Submissions (2):

GeneDx
Classification: Pathogenic. Last evaluated: 2018-07-23. Review status: criteria provided, single submitter. Criteria: GeneDx Variant Classification (06012015). Collection method: clinical testing. Allele origin: germline. Affected: yes.
Comment: The Q53X variant in the FOXL2 gene has been reported previously in association with blepharophimosis-ptosis-epicanthus inversus syndrome (Ramirez-Castro et al., 2002). This variant is predicted to cause loss of normal protein function through protein truncation, as the last 324 amino acids of the protein are lost. Functional studies indicate that the Q53X variant results in aberrant protein function (Kim et al., 2014). This variant is not observed in large population cohorts (Lek et al., 2016). We interpret Q53X as a pathogenic variant.

OMIM
Classification: Pathogenic for BLEPHAROPHIMOSIS, PTOSIS, AND EPICANTHUS INVERSUS, TYPE I. Last evaluated: 2005-12-01. Review status: no assertion criteria provided. Collection method: literature only. Allele origin: germline. Not counted in ClinVar's aggregate classification.

Literature cited by the submitters: PubMed 12400065 (cited by OMIM); PubMed 16219626 (cited by OMIM).